The following is an entry in ClinVar:

NM_003922.4(HERC1):c.6720G>T (p.Arg2240Ser)

Gene: HERC1 (HECT and RLD domain containing E3 ubiquitin protein ligase family member 1; minus strand). Cytogenetic location: 15q22.31.
Variant type: single nucleotide variant.
Coding change: c.6720G>T on transcript NM_003922.4 (MANE Select); coding-DNA position 6720, G replaced by T.
Protein change: p.Arg2240Ser; replaces arginine 2240 with serine.
Molecular consequence: missense variant.
Genome position (GRCh38, 1-based): chr15:63,678,195, C>A on the plus strand (G>T on the coding strand, the complement: HERC1 is on the minus strand). VCF-style: chr15-63678195-C-A. GRCh37 (hg19) VCF-style: chr15-63970394-C-A.
Other names: short protein forms R2240S.
Identifiers: ClinVar variation 1956437 (VCV001956437.4), dbSNP rs985133286, ClinGen allele CA272099948.

ClinVar aggregate classification (germline): Uncertain significance (1 of 4 stars; one submission).

gnomAD v4.1: 5 of 1,613,776 alleles (0.00031%); highest among the groups gnomAD compares: African/African-American, 0.0027%; no homozygotes.

Submission:

Labcorp Genetics (formerly Invitae), Labcorp
Classification: Uncertain significance. Last evaluated: 2022-03-29. Review status: criteria provided, single submitter. Criteria: Invitae Variant Classification Sherloc (09022015). Collection method: clinical testing. Allele origin: germline.
Comment: This sequence change replaces arginine, which is basic and polar, with serine, which is neutral and polar, at codon 2240 of the HERC1 protein (p.Arg2240Ser). This variant is not present in population databases (gnomAD no frequency). This variant has not been reported in the literature in individuals affected with HERC1-related conditions. Algorithms developed to predict the effect of missense changes on protein structure and function (SIFT, PolyPhen-2, Align-GVGD) all suggest that this variant is likely to be disruptive. In summary, the available evidence is currently insufficient to determine the role of this variant in disease. Therefore, it has been classified as a Variant of Uncertain Significance.